The following is an entry in ClinVar:

ClinVar aggregate classification (germline): Pathogenic. Review status: criteria provided, multiple submitters, no conflicts (2 of 4 stars). 2 submissions from 2 submitters: Pathogenic (2). Last evaluated 2025-09-02.

Submissions (2):

Labcorp Genetics (formerly Invitae), Labcorp
Classification: Pathogenic. Last evaluated: 2025-09-02. Review status: criteria provided, single submitter. Criteria: Invitae Variant Classification Sherloc (09022015). Collection method: clinical testing. Allele origin: germline.
Comment: This sequence change creates a premature translational stop signal (p.Phe63Serfs*3) in the COL9A1 gene. It is expected to result in an absent or disrupted protein product. Loss-of-function variants in COL9A1 are known to be pathogenic (PMID: 16909383, 21421862). This variant is not present in population databases (gnomAD no frequency). This variant has not been reported in the literature in individuals affected with COL9A1-related conditions. ClinVar contains an entry for this variant (Variation ID: 374501). For these reasons, this variant has been classified as Pathogenic.

CeGaT Center for Human Genetics Tuebingen
Classification: Pathogenic. Last evaluated: 2022-07-01. Review status: criteria provided, single submitter. Criteria: CeGaT Center For Human Genetics Tuebingen Variant Classification Criteria Version 2. Collection method: clinical testing. Allele origin: germline. Affected: yes. Observed: 5 variant alleles.
Comment: COL9A1: PVS1, PM2

Literature cited by the submitters: PubMed 16909383 (cited by Labcorp Genetics (formerly Invitae), Labcorp); PubMed 21421862 (cited by Labcorp Genetics (formerly Invitae), Labcorp).

NM_001851.6(COL9A1):c.188del (p.Phe63fs)

Gene: COL9A1 (collagen type IX alpha 1 chain; minus strand). Cytogenetic location: 6q13.
Variant type: Deletion.
Coding change: c.188del on transcript NM_001851.6 (MANE Select); coding-DNA position 188, one base deleted (T; older notation c.188delT).
Protein change: p.Phe63fs; shifts the reading frame from phenylalanine 63.
Molecular consequence: frameshift variant.
Genome position (GRCh38, 1-based): chr6:70,300,154, A deleted on the plus strand (T on the coding strand, the reverse complement: COL9A1 is on the minus strand); the first of 2 consecutive A bases (chr6:70,300,154-70,300,155); deleting either gives the same sequence. VCF-style (leftmost placement, unchanged base first): chr6-70300153-GA-G. GRCh37 (hg19) VCF-style: chr6-71009856-GA-G.
Other names: c.188del, p.Phe63fs (NM_001377291.1); short protein forms F63fs.
Identifiers: ClinVar variation 374501 (VCV000374501.47), dbSNP rs1057519130, ClinGen allele CA16043767.